The following is an entry in ClinVar:

ClinVar aggregate classification (germline): Uncertain significance (1 of 4 stars; one submission).

gnomAD v4.1: 2 of 1,611,202 alleles (0.00012%); highest among the groups gnomAD compares: East Asian, 0.0045%; no homozygotes.

Submission:

Labcorp Genetics (formerly Invitae), Labcorp
Classification: Uncertain significance. Last evaluated: 2022-08-07. Review status: criteria provided, single submitter. Criteria: Invitae Variant Classification Sherloc (09022015). Collection method: clinical testing. Allele origin: germline.
Comment: This variant is present in population databases (no rsID available, gnomAD 0.006%). This sequence change replaces leucine, which is neutral and non-polar, with valine, which is neutral and non-polar, at codon 20 of the CYP2R1 protein (p.Leu20Val). This variant has not been reported in the literature in individuals affected with CYP2R1-related conditions. Algorithms developed to predict the effect of missense changes on protein structure and function are either unavailable or do not agree on the potential impact of this missense change (SIFT: "Deleterious"; PolyPhen-2: "Not Available"; Align-GVGD: "Class C0"). In summary, the available evidence is currently insufficient to determine the role of this variant in disease. Therefore, it has been classified as a Variant of Uncertain Significance.

NM_024514.5(CYP2R1):c.58C>G (p.Leu20Val)

Genes: CYP2R1 (cytochrome P450 family 2 subfamily R member 1; minus strand), PDE3B (phosphodiesterase 3B; plus strand). Cytogenetic location: 11p15.2.
Variant type: single nucleotide variant.
Coding change: c.58C>G on transcript NM_024514.5 (MANE Select); coding-DNA position 58, C replaced by G.
Protein change: p.Leu20Val; replaces leucine 20 with valine.
Molecular consequence: missense variant. On other transcripts: intron variant (1).
Genome position (GRCh38, 1-based): chr11:14,892,148, G>C on the plus strand (C>G on the coding strand, the complement: CYP2R1 is on the minus strand). VCF-style: chr11-14892148-G-C. GRCh37 (hg19) VCF-style: chr11-14913694-G-C.
Other names: c.-121+217C>G (NM_001400558.1); short protein forms L20V.
Identifiers: ClinVar variation 2004924 (VCV002004924.4), dbSNP rs1178236926, ClinGen allele CA379735192.